The following is an entry in ClinVar:

NM_002528.7(NTHL1):c.448G>T (p.Gly150Cys)

Gene: NTHL1 (nth like DNA glycosylase 1; minus strand). Cytogenetic location: 16p13.3.
Variant type: single nucleotide variant.
Coding change: c.448G>T on transcript NM_002528.7 (MANE Select); coding-DNA position 448, G replaced by T.
Protein change: p.Gly150Cys; replaces glycine 150 with cysteine.
Molecular consequence: missense variant. On other transcripts: intron variant (1).
Genome position (GRCh38, 1-based): chr16:2,044,707, C>A on the plus strand (G>T on the coding strand, the complement: NTHL1 is on the minus strand). VCF-style: chr16-2044707-C-A. GRCh37 (hg19) VCF-style: chr16-2094708-C-A.
Other names: c.118G>T, p.Gly40Cys (NM_001318194.2); c.355-981G>T (NM_001318193.2); short protein forms G150C, G40C.
Identifiers: ClinVar variation 1742714 (VCV001742714.3), dbSNP rs749527022, ClinGen allele CA394294300.

ClinVar aggregate classification (germline): Uncertain significance. Review status: criteria provided, multiple submitters, no conflicts (2 of 4 stars). 2 submissions from 2 submitters: Uncertain significance (2). Last evaluated 2025-07-01.

Conditions:
Hereditary cancer-predisposing syndrome. Also called: Hereditary Cancer Syndrome; Hereditary neoplastic syndrome; Neoplastic Syndromes, Hereditary; Tumor predisposition. Identifiers: Orphanet 140162, MedGen C0027672, MeSH D009386, MONDO:0015356.

Submissions (2):

Labcorp Genetics (formerly Invitae), Labcorp
Classification: Uncertain significance. Last evaluated: 2025-07-01. Review status: criteria provided, single submitter. Criteria: Invitae Variant Classification Sherloc (09022015). Collection method: clinical testing. Allele origin: germline.
Comment: This sequence change replaces glycine, which is neutral and non-polar, with cysteine, which is neutral and slightly polar, at codon 158 of the NTHL1 protein (p.Gly158Cys). This variant is not present in population databases (gnomAD no frequency). This variant has not been reported in the literature in individuals affected with NTHL1-related conditions. ClinVar contains an entry for this variant (Variation ID: 1742714). An algorithm developed to predict the effect of missense changes on protein structure and function (PolyPhen-2) suggests that this variant is likely to be disruptive. In summary, the available evidence is currently insufficient to determine the role of this variant in disease. Therefore, it has been classified as a Variant of Uncertain Significance.

Ambry Genetics
Classification: Uncertain significance for Hereditary cancer-predisposing syndrome. Last evaluated: 2021-08-22. Review status: criteria provided, single submitter. Criteria: Ambry Variant Classification Scheme 2023. Collection method: clinical testing. Allele origin: germline.
Comment: The p.G158C variant (also known as c.472G>T), located in coding exon 3 of the NTHL1 gene, results from a G to T substitution at nucleotide position 472. The glycine at codon 158 is replaced by cysteine, an amino acid with highly dissimilar properties. This amino acid position is conserved. In addition, this alteration is predicted to be deleterious by in silico analysis. Since supporting evidence is limited at this time, the clinical significance of this alteration remains unclear.